The following is an entry in ClinVar:

NM_176787.5(PIGN):c.1342G>T (p.Val448Phe)

Gene: PIGN (phosphatidylinositol glycan anchor biosynthesis class N; minus strand). Cytogenetic location: 18q21.33.
Variant type: single nucleotide variant.
Coding change: c.1342G>T on transcript NM_176787.5 (MANE Select); coding-DNA position 1342, G replaced by T.
Protein change: p.Val448Phe; replaces valine 448 with phenylalanine.
Molecular consequence: missense variant.
Genome position (GRCh38, 1-based): chr18:62,113,226, C>A on the plus strand (G>T on the coding strand, the complement: PIGN is on the minus strand). VCF-style: chr18-62113226-C-A. GRCh37 (hg19) VCF-style: chr18-59780459-C-A.
Other names: c.1342G>T, p.Val448Phe (NM_012327.6); short protein forms V448F.
Identifiers: ClinVar variation 3004205 (VCV003004205.3), dbSNP rs1479811365, ClinGen allele CA402605841.

ClinVar aggregate classification (germline): Uncertain significance (1 of 4 stars; one submission).

Conditions:
Multiple congenital anomalies-hypotonia-seizures syndrome 1 (MCAHS1). Also called: GLYCOSYLPHOSPHATIDYLINOSITOL BIOSYNTHESIS DEFECT 3; PIGN-CDG; Congenital disorder of glycosylation due to PIGN deficiency. Identifiers: Orphanet 280633, MedGen C3279775, MONDO:0013563, OMIM 614080.

Submission:

Labcorp Genetics (formerly Invitae), Labcorp
Classification: Uncertain significance for Multiple congenital anomalies-hypotonia-seizures syndrome 1. Last evaluated: 2023-10-20. Review status: criteria provided, single submitter. Criteria: Invitae Variant Classification Sherloc (09022015). Collection method: clinical testing. Allele origin: germline.
Comment: This sequence change replaces valine, which is neutral and non-polar, with phenylalanine, which is neutral and non-polar, at codon 448 of the PIGN protein (p.Val448Phe). This variant is not present in population databases (gnomAD no frequency). This variant has not been reported in the literature in individuals affected with PIGN-related conditions. Advanced modeling of protein sequence and biophysical properties (such as structural, functional, and spatial information, amino acid conservation, physicochemical variation, residue mobility, and thermodynamic stability) performed at Invitae indicates that this missense variant is not expected to disrupt PIGN protein function. In summary, the available evidence is currently insufficient to determine the role of this variant in disease. Therefore, it has been classified as a Variant of Uncertain Significance.